The following is an entry in ClinVar:

NM_172245.4(CSF2RA):c.707G>A (p.Arg236Gln)

Gene: CSF2RA (colony stimulating factor 2 receptor subunit alpha; plus strand). Cytogenetic location: Xp22.33.
Variant type: single nucleotide variant.
Coding change: c.707G>A on transcript NM_172245.4 (MANE Select); coding-DNA position 707, G replaced by A.
Protein change: p.Arg236Gln; replaces arginine 236 with glutamine.
Molecular consequence: missense variant. On other transcripts: non-coding transcript variant (1), intron variant (1).
Genome position (GRCh38, 1-based): chrX:1,294,388, G>A. VCF-style: chrX-1294388-G-A. GRCh37 (hg19) VCF-style: chrX-1413281-G-A.
Other names: c.707G>A, p.Arg236Gln (NM_001161529.2, NM_001161530.2, NM_001161531.2 and 18 more transcripts); c.308G>A, p.Arg103Gln (NM_001161532.2); c.688G>A, p.Gly230Ser (NM_001379166.1); c.646+3879G>A (NM_172249.4); short protein forms G230S, R103Q, R236Q.
Identifiers: ClinVar variation 1060139 (VCV001060139.6), dbSNP rs1418501378, ClinGen allele CA412235977.

ClinVar aggregate classification (germline): Uncertain significance (1 of 4 stars; one submission).

Conditions:
Surfactant metabolism dysfunction, pulmonary, 4 (SMDP4). Also called: CSF2RA DEFICIENCY; PAP DUE TO CSF2RA DEFICIENCY; PULMONARY ALVEOLAR PROTEINOSIS, CONGENITAL, 4. Identifiers: Orphanet 264675, MedGen C2677877, MONDO:0010424, OMIM 300770.

Allele frequency attached by ClinVar (database versions not stated): gnomAD exomes below 0.00001 and 0.00002.
gnomAD v4.1: 33 of 1,613,942 alleles (0.002%); highest among the groups gnomAD compares: Non-Finnish European, 0.0023%; no homozygotes.

Submission:

Labcorp Genetics (formerly Invitae), Labcorp
Classification: Uncertain significance for Surfactant metabolism dysfunction, pulmonary, 4. Last evaluated: 2022-07-05. Review status: criteria provided, single submitter. Criteria: Invitae Variant Classification Sherloc (09022015). Collection method: clinical testing. Allele origin: germline.
Comment: This sequence change replaces arginine, which is basic and polar, with glutamine, which is neutral and polar, at codon 236 of the CSF2RA protein (p.Arg236Gln). This variant is present in population databases (no rsID available, gnomAD 0.003%). This variant has not been reported in the literature in individuals affected with CSF2RA-related conditions. ClinVar contains an entry for this variant (Variation ID: 1060139). Algorithms developed to predict the effect of missense changes on protein structure and function output the following: SIFT: "Tolerated"; PolyPhen-2: "Benign"; Align-GVGD: "Class C0". The glutamine amino acid residue is found in multiple mammalian species, which suggests that this missense change does not adversely affect protein function. Algorithms developed to predict the effect of sequence changes on RNA splicing suggest that this variant may create or strengthen a splice site. In summary, the available evidence is currently insufficient to determine the role of this variant in disease. Therefore, it has been classified as a Variant of Uncertain Significance.